The following is an entry in ClinVar:

ClinVar aggregate classification (germline): Pathogenic (1 of 4 stars; one submission).

Conditions:
Fanconi anemia (FA). Also called: Fanconi's anemia. Identifiers: Orphanet 84, MedGen C0015625, MeSH D005199, MONDO:0019391.

gnomAD v4.1: 1 of 1,613,332 alleles (0.000062%); highest among the groups gnomAD compares: Non-Finnish European, 0.000085%; no homozygotes.

Submission:

Labcorp Genetics (formerly Invitae), Labcorp
Classification: Pathogenic for Fanconi anemia. Last evaluated: 2021-04-06. Review status: criteria provided, single submitter. Criteria: Invitae Variant Classification Sherloc (09022015). Collection method: clinical testing. Allele origin: germline.
Comment: This variant is not present in population databases (ExAC no frequency). This sequence change creates a premature translational stop signal (p.Ser357*) in the FANCA gene. It is expected to result in an absent or disrupted protein product. Loss-of-function variants in FANCA are known to be pathogenic (PMID: 19367192). For these reasons, this variant has been classified as Pathogenic. This variant has not been reported in the literature in individuals with FANCA-related conditions.

Literature cited by the submitters: PubMed 19367192.

NM_000135.4(FANCA):c.1070C>G (p.Ser357Ter)

Gene: FANCA (FA complementation group A; minus strand). Cytogenetic location: 16q24.3.
Variant type: single nucleotide variant.
Coding change: c.1070C>G on transcript NM_000135.4 (MANE Select); coding-DNA position 1070, C replaced by G.
Protein change: p.Ser357Ter; replaces serine 357 with a stop codon.
Molecular consequence: nonsense.
Genome position (GRCh38, 1-based): chr16:89,792,484, G>C on the plus strand (C>G on the coding strand, the complement: FANCA is on the minus strand). VCF-style: chr16-89792484-G-C. GRCh37 (hg19) VCF-style: chr16-89858892-G-C.
Other names: c.1070C>G, p.Ser357Ter (NM_001286167.3); short protein forms S357*.
Identifiers: ClinVar variation 1396520 (VCV001396520.6), dbSNP rs773687142, ClinGen allele CA397466626.